The following is an entry in ClinVar:

NM_000051.4(ATM):c.8428A>C (p.Lys2810Gln)

Genes: ATM (ATM serine/threonine kinase; plus strand), C11orf65 (chromosome 11 open reading frame 65; minus strand). Cytogenetic location: 11q22.3.
Variant type: single nucleotide variant.
Coding change: c.8428A>C on transcript NM_000051.4 (MANE Select); coding-DNA position 8428, A replaced by C.
Protein change: p.Lys2810Gln; replaces lysine 2810 with glutamine.
Molecular consequence: missense variant. On other transcripts: intron variant (2).
Genome position (GRCh38, 1-based): chr11:108,345,752, A>C. VCF-style: chr11-108345752-A-C. GRCh37 (hg19) VCF-style: chr11-108216479-A-C.
Other names: p.K2810Q:AAA>CAA; p.Lys2810Gln; c.8428A>C, p.Lys2810Gln (NM_001351834.2); c.641-36681T>G (NM_001330368.2); c.695-10460T>G (NM_001351110.2); short protein forms K2810Q.
Identifiers: ClinVar variation 181898 (VCV000181898.64), dbSNP rs730881325, ClinGen allele CA298080.

ClinVar aggregate classification (germline): Conflicting classifications of pathogenicity. Review status: criteria provided, conflicting classifications (1 of 4 stars). 24 submissions from 24 submitters: Uncertain significance (17); Likely benign (4). 3 of the submissions do not count toward it. Last evaluated 2026-08-06.

Conditions:
ATM-related disorder. Also called: ATM-related disorders; ATM-related condition.
Hereditary cancer-predisposing syndrome. Also called: Hereditary Cancer Syndrome; Tumor predisposition; Neoplastic Syndromes, Hereditary; Hereditary neoplastic syndrome. Identifiers: Orphanet 140162, MedGen C0027672, MeSH D009386, MONDO:0015356.
Familial cancer of breast. Also called: hereditary breast carcinoma; BREAST CANCER, FAMILIAL; Hereditary breast cancer. Identifiers: Orphanet 227535, MedGen C0346153, MONDO:0016419, OMIM 114480. Disease mechanism: loss of function.
Ataxia-telangiectasia syndrome (AT). Also called: ATAXIA-TELANGIECTASIA, COMPLEMENTATION GROUP A; ATAXIA-TELANGIECTASIA, FRESNO VARIANT; Ataxia-telangiectasia; Ataxia-telangiectasia, complementation group E; Cerebello-oculocutaneous telangiectasia; Immunodeficiency with ataxia telangiectasia. Identifiers: Orphanet 100, MedGen C0004135, MONDO:0008840, OMIM 208900.
Malignant tumor of breast. Also called: Malignant breast neoplasm; Cancer breast. Identifiers: MedGen C0006142, MONDO:0007254. Disease mechanism: loss of function.

Allele frequency attached by ClinVar (database versions not stated): gnomAD exomes 0.00004; TOPMed 0.00001; ExAC 0.00003.
gnomAD v4.1: 50 of 1,610,722 alleles (0.0031%); highest among the groups gnomAD compares: Non-Finnish European, 0.0039%; no homozygotes.

Submissions 1 to 17 of 24:

OLLIN Analises Genomicas, OLLIN
Classification: Uncertain significance for Familial cancer of breast. Last evaluated: 2026-08-06. Review status: criteria provided, single submitter. Criteria: ACMG Guidelines 2015 PMID 25741868. Collection method: clinical testing. Allele origin: germline. Inheritance: Autosomal recessive inheritance.
Comment: This missense variant, located in exon 58 (of 63), has been reported in ClinVar (accession VCV000407586.10) and in gnomAD with an allele frequency of 0.0031%. However, to our knowledge, it has not been reported in the scientific literature. In silico analysis predicts that this variant has a tolerated effect. According to the currently available evidence, this variant has been classified as uncertain significance (BP4).

PreventionGenetics, part of Exact Sciences
Classification: Likely benign for ATM-related condition. Last evaluated: 2026-06-25. Review status: criteria provided, single submitter. Criteria: ACMG Guidelines, 2015. Collection method: clinical testing. Allele origin: germline.
Comment: This variant is classified as likely benign based on ACMG/AMP sequence variant interpretation guidelines (Richards et al. 2015 PMID: 25741868, with internal and published modifications).

Labcorp Genetics (formerly Invitae), Labcorp
Classification: Likely benign for Ataxia-telangiectasia syndrome. Last evaluated: 2026-01-21. Review status: criteria provided, single submitter. Criteria: Invitae Variant Classification Sherloc (09022015). Collection method: clinical testing. Allele origin: germline.

Center for Genomic Medicine, Rigshospitalet, Copenhagen University Hospital
Classification: Uncertain significance. Last evaluated: 2025-12-29. Review status: criteria provided, single submitter. Criteria: ACMG Guidelines, 2015. Collection method: clinical testing. Allele origin: germline.

CeGaT Center for Human Genetics Tuebingen
Classification: Uncertain significance. Last evaluated: 2025-12-01. Review status: criteria provided, single submitter. Criteria: CeGaT Center For Human Genetics Tuebingen Variant Classification Criteria Version 2. Collection method: clinical testing. Allele origin: germline. Affected: yes. Observed: 1 variant allele.
Comment: ATM: PS4:Supporting, BP4

Color Diagnostics, LLC DBA Color Health
Classification: Uncertain significance for Hereditary cancer-predisposing syndrome. Last evaluated: 2025-11-25. Review status: criteria provided, single submitter. Criteria: ACMG Guidelines, 2015. Collection method: clinical testing. Allele origin: germline.
Comment: This missense variant replaces lysine with glutamine at codon 2810 of the ATM protein. Computational prediction suggests that this variant may not impact protein structure and function. To our knowledge, functional studies have not been performed for this variant. This variant has been reported in individuals affected with colorectal, prostate, pancreatic, or breast cancer (PMID: 26901136, 28726808, 29522266, 33436325, 33471991). This variant has been detected in a breast cancer case-control meta-analysis in 1/60466 cases and 4/53461 unaffected individuals (PMID: 33471991LOVD DB-ID ATM_001412). This variant has also been identified in 50/1610722 chromosomes in the general population by the Genome Aggregation Database (gnomAD). Although there is a suspicion that this variant may not be associated with disease, additional studies are necessary to determine the role of this variant in disease conclusively. Therefore, this variant is classified as a Variant of Uncertain Significance.

Women's Health and Genetics/Laboratory Corporation of America, LabCorp
Classification: Uncertain significance. Last evaluated: 2025-11-10. Review status: criteria provided, single submitter. Criteria: LabCorp Variant Classification Summary - May 2015. Collection method: clinical testing. Allele origin: germline.
Comment: Variant summary: ATM c.8428A>C (p.Lys2810Gln) results in a conservative amino acid change in the encoded protein sequence. Algorithms developed to predict the effect of missense changes on protein structure and function are either unavailable or do not agree on the potential impact of this missense change. The variant allele was found at a frequency of 4e-05 in 250508 control chromosomes. This frequency is not significantly higher than estimated for disease-causing variants in ATM, allowing no conclusion about variant significance. c.8428A>C has been observed in the presumed heterozygous state in multiple individual(s) affected with various ATM-related cancers, without strong evidence for causality (example, Tsaousis_2019, Karlsson_2021, Munch_2025, Chaffee_2018, Bernstein_2010, Bhai_2021). These report(s) do not provide unequivocal conclusions about association of the variant with ATM-related conditions. At least one publication reports experimental evidence evaluating an impact on protein function. These results showed no damaging effect of this variant in vitro (Hanenberg_2025). The following publications have been ascertained in the context of this evaluation (PMID: 33436325, 31159747, 36531003, 37007151, 40507299, 35451682, 28726808, 17623063, 39725687, 32321774, 28652578, 40105422, 30181556, 34067464, 20305132, 34326862). ClinVar contains an entry for this variant (Variation ID: 181898). Based on the evidence outlined above, the variant was classified as uncertain significance.

Catlab - Consorci Sanitari de Terrassa
Classification: Uncertain significance for Hereditary cancer-predisposing syndrome. Last evaluated: 2025-05-15. Review status: criteria provided, single submitter. Criteria: ClinGen HBOP ACMG Specifications ATM Version1_3. Collection method: clinical testing. Allele origin: germline.
Comment: Based on the currently available information, this variant is classified as Variant of Uncertain Significance according to ClinGen-ATM v1.3.0 guidelines. ACMG criteria: BP4.

Mayo Clinic Laboratories, Mayo Clinic
Classification: Uncertain significance. Last evaluated: 2025-02-05. Review status: criteria provided, single submitter. Criteria: ACMG Guidelines, 2015. Collection method: clinical testing. Allele origin: germline. Observed: 1 variant allele.
Comment: BP4

Blueprint Genetics
Classification: Uncertain significance. Last evaluated: 2024-11-22. Review status: criteria provided, single submitter. Criteria: ACMG Guidelines, 2015. Collection method: clinical testing. Allele origin: germline.

Myriad Genetics, Inc.
Classification: Likely benign for Familial cancer of breast. Last evaluated: 2024-04-25. Review status: criteria provided, single submitter. Criteria: Myriad Autosomal Dominant, Autosomal Recessive and X-Linked Classification Criteria (2023). Collection method: clinical testing. Allele origin: unknown.
Comment: This variant is considered likely benign. This variant is strongly associated with less severe personal and family histories of cancer, typical for individuals without pathogenic variants in this gene [PMID: 25085752].

Hereditary Cancer Laboratory, Hospital Universitario 12 de Octubre
Classification: Uncertain significance for Hereditary cancer-predisposing syndrome. Last evaluated: 2024-04-22. Review status: criteria provided, single submitter. Criteria: ACMG Guidelines, 2015. Collection method: clinical testing. Allele origin: germline.
Comment: PM2+BP4

Quest Diagnostics Nichols Institute San Juan Capistrano
Classification: Uncertain significance. Last evaluated: 2024-04-15. Review status: criteria provided, single submitter. Criteria: Quest Diagnostics criteria. Collection method: clinical testing. Allele origin: unknown.

GeneDx
Classification: Uncertain significance. Last evaluated: 2024-02-05. Review status: criteria provided, single submitter. Criteria: GeneDx Variant Classification Process June 2021. Collection method: clinical testing. Allele origin: germline. Affected: yes.
Comment: In silico analysis supports that this missense variant does not alter protein structure/function; Observed in individuals with breast, colorectal, or prostate cancer as well as in an infant with rhabdomyosarcoma (PMID: 26901136, 29522266, 34067464, 33436325); This variant is associated with the following publications: (PMID: 26901136, 28652578, 29522266, 31159747, 33436325, 33875564, 34067464, 23532176, 35451682)

Ambry Genetics
Classification: Likely benign for Hereditary cancer-predisposing syndrome. Last evaluated: 2023-11-17. Review status: criteria provided, single submitter. Criteria: Ambry Variant Classification Scheme 2023. Collection method: clinical testing. Allele origin: germline.

Baylor Genetics
Classification: Uncertain significance for Familial cancer of breast. Last evaluated: 2023-09-13. Review status: criteria provided, single submitter. Criteria: ACMG Guidelines, 2015. Collection method: clinical testing. Allele origin: unknown.

Fulgent Genetics
Classification: Uncertain significance for Familial cancer of breast; Ataxia-telangiectasia syndrome. Last evaluated: 2022-02-22. Review status: criteria provided, single submitter. Criteria: ACMG Guidelines, 2015. Collection method: clinical testing. Allele origin: unknown.